The following is an entry in ClinVar:

NM_018297.4(NGLY1):c.565G>C (p.Ala189Pro)

Gene: NGLY1 (N-glycanase 1; minus strand). Cytogenetic location: 3p24.2.
Variant type: single nucleotide variant.
Coding change: c.565G>C on transcript NM_018297.4 (MANE Select); coding-DNA position 565, G replaced by C.
Protein change: p.Ala189Pro; replaces alanine 189 with proline.
Molecular consequence: missense variant.
Genome position (GRCh38, 1-based): chr3:25,751,191, C>G on the plus strand (G>C on the coding strand, the complement: NGLY1 is on the minus strand). VCF-style: chr3-25751191-C-G. GRCh37 (hg19) VCF-style: chr3-25792682-C-G.
Other names: c.565G>C, p.Ala189Pro (NM_001145293.2, NM_001145295.2); c.439G>C, p.Ala147Pro (NM_001145294.2); short protein forms A147P, A189P.
Identifiers: ClinVar variation 3697643 (VCV003697643.2).

ClinVar aggregate classification (germline): Uncertain significance (1 of 4 stars; one submission).

Conditions:
Congenital disorder of deglycosylation (CDDG). Identifiers: MedGen C3808991, MONDO:0031376.

gnomAD v4.1: 7 of 1,613,232 alleles (0.00043%); highest among the groups gnomAD compares: African/African-American, 0.0027%; no homozygotes.

Submission:

Labcorp Genetics (formerly Invitae), Labcorp
Classification: Uncertain significance for Congenital disorder of deglycosylation. Last evaluated: 2024-02-26. Review status: criteria provided, single submitter. Criteria: Invitae Variant Classification Sherloc (09022015). Collection method: clinical testing. Allele origin: germline.
Comment: This sequence change replaces alanine, which is neutral and non-polar, with proline, which is neutral and non-polar, at codon 189 of the NGLY1 protein (p.Ala189Pro). This variant is not present in population databases (gnomAD no frequency). This variant has not been reported in the literature in individuals affected with NGLY1-related conditions. Advanced modeling of protein sequence and biophysical properties (such as structural, functional, and spatial information, amino acid conservation, physicochemical variation, residue mobility, and thermodynamic stability) performed at Invitae indicates that this missense variant is not expected to disrupt NGLY1 protein function with a negative predictive value of 80%. In summary, the available evidence is currently insufficient to determine the role of this variant in disease. Therefore, it has been classified as a Variant of Uncertain Significance.